The following is an entry in ClinVar:

NM_003919.3(SGCE):c.109G>A (p.Val37Met)

Gene: SGCE (sarcoglycan epsilon; minus strand). Cytogenetic location: 7q21.3.
Variant type: single nucleotide variant.
Coding change: c.109G>A on transcript NM_003919.3 (MANE Select); coding-DNA position 109, G replaced by A.
Protein change: p.Val37Met; replaces valine 37 with methionine.
Molecular consequence: missense variant. On other transcripts: 5 prime UTR variant (4).
Genome position (GRCh38, 1-based): chr7:94,655,990, C>T on the plus strand (G>A on the coding strand, the complement: SGCE is on the minus strand). VCF-style: chr7-94655990-C-T. GRCh37 (hg19) VCF-style: chr7-94285302-C-T.
Other names: c.109G>A, p.Val37Met (NM_001099400.2, NM_001099401.2, NM_001346717.2); c.109G>A, p.Gly37Ser (NM_001301139.2, NM_001362809.2); c.109G>A, p.Ala37Thr (NM_001346713.2, NM_001346715.2); c.-149G>A (NM_001346719.2); c.-227G>A (NM_001346720.2, NM_001362808.2); c.-155G>A (NM_001362807.2); short protein forms V37M, A37T, G37S.
Identifiers: ClinVar variation 573826 (VCV000573826.13), dbSNP rs1562916805, ClinGen allele CA368393544.

ClinVar aggregate classification (germline): Uncertain significance. Review status: criteria provided, multiple submitters, no conflicts (2 of 4 stars). 2 submissions from 2 submitters: Uncertain significance (2). Last evaluated 2025-10-12.

Conditions:
Myoclonic dystonia 11 (DYT11). Also called: Myoclonic dystonia; Dystonia 11; Dystonia, alcohol responsive; Hereditary essential myoclonus; SGCE Myoclonus-Dystonia; Myoclonus-Dystonia. Identifiers: Orphanet 36899, MedGen C1834570, MONDO:0008044, OMIM 159900.

Submissions (2):

Labcorp Genetics (formerly Invitae), Labcorp
Classification: Uncertain significance for Myoclonic dystonia 11. Last evaluated: 2025-10-12. Review status: criteria provided, single submitter. Criteria: Invitae Variant Classification Sherloc (09022015). Collection method: clinical testing. Allele origin: germline.
Comment: This sequence change replaces valine, which is neutral and non-polar, with methionine, which is neutral and non-polar, at codon 37 of the SGCE protein (p.Val37Met). This variant also falls at the last nucleotide of exon 1, which is part of the consensus splice site for this exon. This variant is not present in population databases (gnomAD no frequency). This variant has not been reported in the literature in individuals affected with SGCE-related conditions. ClinVar contains an entry for this variant (Variation ID: 573826). An algorithm developed to predict the effect of missense changes on protein structure and function (PolyPhen-2) suggests that this variant is likely to be disruptive. Variants that disrupt the consensus splice site are a relatively common cause of aberrant splicing (PMID: 17576681, 9536098). Algorithms developed to predict the effect of sequence changes on RNA splicing suggest that this variant may disrupt the consensus splice site. In summary, the available evidence is currently insufficient to determine the role of this variant in disease. Therefore, it has been classified as a Variant of Uncertain Significance.

GeneDx
Classification: Uncertain significance. Last evaluated: 2025-02-04. Review status: criteria provided, single submitter. Criteria: GeneDx Variant Classification Process June 2021. Collection method: clinical testing. Allele origin: germline. Affected: yes.
Comment: Not observed at significant frequency in large population cohorts (gnomAD); In silico analysis indicates that this missense variant does not alter protein structure/function; Has not been previously published as pathogenic or benign to our knowledge

Literature cited by the submitters: PubMed 17576681 (cited by Labcorp Genetics (formerly Invitae), Labcorp); PubMed 9536098 (cited by Labcorp Genetics (formerly Invitae), Labcorp).